The following is an entry in ClinVar:

ClinVar aggregate classification (germline): Uncertain significance. Review status: criteria provided, multiple submitters, no conflicts (2 of 4 stars). 2 submissions from 2 submitters: Uncertain significance (2). Last evaluated 2025-09-03.

Conditions:
Inborn genetic diseases. Identifiers: MedGen C0950123, MeSH D030342.
Hajdu-Cheney syndrome (HJCYS). Also called: ACROOSTEOLYSIS WITH OSTEOPOROSIS AND CHANGES IN SKULL AND MANDIBLE; Acroosteolysis dominant type; SERPENTINE FIBULA-POLYCYSTIC KIDNEY SYNDROME. Identifiers: Orphanet 955, MedGen C0917715, MONDO:0007057, OMIM 102500.

Allele frequency attached by ClinVar (database versions not stated): gnomAD exomes 0.00001; TOPMed 0.00001; gnomAD 0.00002; ExAC 0.00002.
gnomAD v4.1: 16 of 1,613,876 alleles (0.00099%); highest among the groups gnomAD compares: East Asian, 0.0022%; no homozygotes.

Submissions (2):

Labcorp Genetics (formerly Invitae), Labcorp
Classification: Uncertain significance for Hajdu-Cheney syndrome. Last evaluated: 2025-09-03. Review status: criteria provided, single submitter. Criteria: Invitae Variant Classification Sherloc (09022015). Collection method: clinical testing. Allele origin: germline.
Comment: This sequence change replaces glycine, which is neutral and non-polar, with arginine, which is basic and polar, at codon 1161 of the NOTCH2 protein (p.Gly1161Arg). This variant is present in population databases (rs782313621, gnomAD 0.005%). This variant has not been reported in the literature in individuals affected with NOTCH2-related conditions. ClinVar contains an entry for this variant (Variation ID: 2915305). Invitae Evidence Modeling of protein sequence and biophysical properties (such as structural, functional, and spatial information, amino acid conservation, physicochemical variation, residue mobility, and thermodynamic stability) indicates that this missense variant is expected to disrupt NOTCH2 protein function with a positive predictive value of 80%. In summary, the available evidence is currently insufficient to determine the role of this variant in disease. Therefore, it has been classified as a Variant of Uncertain Significance.

Ambry Genetics
Classification: Uncertain significance for Inborn genetic diseases. Last evaluated: 2024-11-14. Review status: criteria provided, single submitter. Criteria: Ambry Variant Classification Scheme 2023. Collection method: clinical testing. Allele origin: germline.

NM_024408.4(NOTCH2):c.3481G>A (p.Gly1161Arg)

Gene: NOTCH2 (notch receptor 2; minus strand). Cytogenetic location: 1p12.
Variant type: single nucleotide variant.
Coding change: c.3481G>A on transcript NM_024408.4 (MANE Select); coding-DNA position 3481, G replaced by A.
Protein change: p.Gly1161Arg; replaces glycine 1161 with arginine.
Molecular consequence: missense variant.
Genome position (GRCh38, 1-based): chr1:119,937,323, C>T on the plus strand (G>A on the coding strand, the complement: NOTCH2 is on the minus strand). VCF-style: chr1-119937323-C-T. GRCh37 (hg19) VCF-style: chr1-120479946-C-T.
Other names: c.3481G>A (NM_024408.3); c.3481G>A, p.Gly1161Arg (NM_001200001.2); short protein forms G1161R.
Identifiers: ClinVar variation 2915305 (VCV002915305.4), dbSNP rs782313621, ClinGen allele CA1040053.
Genomic context (GRCh38, chr1:119,937,323, plus strand): 5'-GCTTGCTCAGTGTCCTCACCTCGCATCTGTATCCACCAATGAAGTCACTGCATGTTGCCC[C>T]GTGCTGGCAGGGGTTGGACGCACACTCATCGAGTTGCTCCTCACAGTAGCTCCCAGTATA-3'
Protein context (NP_077719.2, residues 1151-1171): DECASNPCQH[Gly1161Arg]ATCSDFIGGY